The following is an entry in ClinVar:

NM_001195553.2(DCX):c.226C>T (p.Arg76Cys)

Gene: DCX (doublecortin; minus strand). Cytogenetic location: Xq23.
Variant type: single nucleotide variant.
Coding change: c.226C>T on transcript NM_001195553.2 (MANE Select); coding-DNA position 226, C replaced by T.
Protein change: p.Arg76Cys; replaces arginine 76 with cysteine.
Molecular consequence: missense variant.
Genome position (GRCh38, 1-based): chrX:111,410,173, G>A on the plus strand (C>T on the coding strand, the complement: DCX is on the minus strand). VCF-style: chrX-111410173-G-A. GRCh37 (hg19) VCF-style: chrX-110653401-G-A.
Other names: c.469C>T, p.Arg157Cys (NM_000555.3); c.226C>T, p.Arg76Cys (NM_001369370.1, NM_001369371.1, NM_001369372.1 and 5 more transcripts); short protein forms R76C, R157C.
Identifiers: ClinVar variation 158441 (VCV000158441.8), dbSNP rs587783534, ClinGen allele CA171890.

ClinVar aggregate classification (germline): Pathogenic/Likely pathogenic. Review status: criteria provided, multiple submitters, no conflicts (2 of 4 stars). 3 submissions from 3 submitters: Pathogenic (1); Likely pathogenic (2). Last evaluated 2022-09-02.

Conditions:
DCX-related disorder. Also called: DCX-related condition; DCX-Related Disorders. Identifiers: MedGen CN381525.
Lissencephaly type 1 due to doublecortin gene mutation. Also called: LISSENCEPHALY AND AGENESIS OF CORPUS CALLOSUM; LISSENCEPHALY, X-LINKED, 1. Identifiers: Orphanet 2148, MedGen C4551968, MONDO:0010239, OMIM 300067.
Ectopic tissue. Also called: Heterotopia. Identifiers: MedGen C0008519.

Submissions (3):

Victorian Clinical Genetics Services, Murdoch Childrens Research Institute
Classification: Pathogenic for Lissencephaly type 1 due to doublecortin gene mutation. Last evaluated: 2022-09-02. Review status: criteria provided, single submitter. Criteria: ACMG Guidelines, 2015. Collection method: clinical testing. Allele origin: germline. Inheritance: X-linked dominant inheritance. Affected: yes.
Comment: Based on the classification scheme VCGS_Germline_v1.3.4, this variant is classified as Pathogenic. Following criteria are met: 0102 - Loss of function is a known mechanism of disease in this gene and is associated with lissencephaly (MIM#300067) and subcortical band heterotopia (MIM#300067). (I) 0110 - This gene is associated with X-linked dominant disease. (I) 0112 - The condition associated with this gene has incomplete penetrance (GeneReviews, OMIM). (I) 0115 - Variants in this gene are known to have variable expressivity in females diagnosed with subcortical band heterotopia (GeneReviews). (I) 0200 - Variant is predicted to result in a missense amino acid change from arginine to cysteine. (I) 0253 - This variant is hemizygous. (I) 0301 - Variant is absent from gnomAD (both v2 and v3). (SP) 0309 - An alternative amino acid change at the same position has been observed in gnomAD (v2) (1 heterozygote, 0 homozygotes, 0 hemizygotes). (I) 0501 - Missense variant consistently predicted to be damaging by multiple in silico tools or highly conserved with a major amino acid change. (SP) 0602 - Variant is located in a hotspot region or cluster of pathogenic variants (PMID: 30979500). (SP) 0702 - Other missense variants comparable to the one identified in this case have strong previous evidence for pathogenicity. The alternative changes to glycine, serine and proline have been reported in males with lissencephaly/subcortical band heterotopia, and females with subcortical band heterotopia (ClinVar, PMID: 12838518, 18685874, 23365099). (SP) 0803 - This variant has limited previous evidence of pathogenicity in an individual. This variant has been reported as likely pathogenic once in ClinVar. (SP) 0905 - No published segregation evidence has been identified for this variant. (I) 1007 - No published functional evidence has been identified for this variant. (I) 1208 - Inheritance information for this variant is not currently available in this individual. (I) Legend: (SP) - Supporting pathogenic, (I) - Information, (SB) - Supporting benign

Blueprint Genetics
Classification: Likely pathogenic for DCX-related disorders. Last evaluated: 2019-06-05. Review status: criteria provided, single submitter. Criteria: ACMG Guidelines, 2015. Collection method: clinical testing. Allele origin: germline. Affected: yes. Observed: 1 variant allele.

Genetic Services Laboratory, University of Chicago
Classification: Likely pathogenic for Abnormality of neuronal migration. Last evaluated: 2013-04-16. Review status: criteria provided, single submitter. Criteria: ACMG Guidelines, 2007. Collection method: clinical testing. Allele origin: germline. Inheritance: Autosomal dominant inheritance. Affected: yes.

Literature cited by the submitters: PubMed 12838518 (cited by Victorian Clinical Genetics Services, Murdoch Childrens Research Institute); PubMed 18685874 (cited by Victorian Clinical Genetics Services, Murdoch Childrens Research Institute); PubMed 23365099 (cited by Victorian Clinical Genetics Services, Murdoch Childrens Research Institute); PubMed 30979500 (cited by Victorian Clinical Genetics Services, Murdoch Childrens Research Institute).